The following is an entry in ClinVar:

NM_015192.4(PLCB1):c.3635T>G (p.Phe1212Cys)

Gene: PLCB1 (phospholipase C beta 1; plus strand). Cytogenetic location: 20p12.3.
Variant type: single nucleotide variant.
Coding change: c.3635T>G on transcript NM_015192.4 (MANE Select); coding-DNA position 3635, T replaced by G.
Protein change: p.Phe1212Cys; replaces phenylalanine 1212 with cysteine.
Molecular consequence: missense variant. On other transcripts: 3 prime UTR variant (1).
Genome position (GRCh38, 1-based): chr20:8,881,833, T>G. VCF-style: chr20-8881833-T-G. GRCh37 (hg19) VCF-style: chr20-8862480-T-G.
Other names: c.*231T>G (NM_182734.3); short protein forms F1212C.
Identifiers: ClinVar variation 288267 (VCV000288267.14), dbSNP rs202009902, ClinGen allele CA10606021.

ClinVar aggregate classification (germline): Uncertain significance. Review status: criteria provided, multiple submitters, no conflicts (2 of 4 stars). 3 submissions from 3 submitters: Uncertain significance (3). Last evaluated 2025-12-04.

Conditions:
Developmental and epileptic encephalopathy, 12 (DEE12). Identifiers: MedGen C3150988, MONDO:0013389, OMIM 613722.
Inborn genetic diseases. Identifiers: MedGen C0950123, MeSH D030342.

Allele frequency attached by ClinVar (database versions not stated): TOPMed 0.00002.
gnomAD v4.1: 15 of 1,611,790 alleles (0.00093%); highest among the groups gnomAD compares: Admixed American, 0.012%; no homozygotes.

Submissions (3):

Ambry Genetics
Classification: Uncertain significance for Inborn genetic diseases. Last evaluated: 2025-12-04. Review status: criteria provided, single submitter. Criteria: Ambry Variant Classification Scheme 2023. Collection method: clinical testing. Allele origin: germline.
Comment: The c.3635T>G (p.F1212C) alteration is located in exon 32 (coding exon 32) of the PLCB1 gene. This alteration results from a T to G substitution at nucleotide position 3635, causing the phenylalanine (F) at amino acid position 1212 to be replaced by a cysteine (C). Based on data from gnomAD, the G allele has an overall frequency of 0.003% (8/282334) total alleles studied. The highest observed frequency was 0.02% (7/35410) of Latino alleles. Based on insufficient or conflicting evidence, the clinical significance of this alteration remains unclear.

Labcorp Genetics (formerly Invitae), Labcorp
Classification: Uncertain significance for Developmental and epileptic encephalopathy, 12. Last evaluated: 2022-07-19. Review status: criteria provided, single submitter. Criteria: Invitae Variant Classification Sherloc (09022015). Collection method: clinical testing. Allele origin: germline.
Comment: This sequence change replaces phenylalanine, which is neutral and non-polar, with cysteine, which is neutral and slightly polar, at codon 1212 of the PLCB1 protein (p.Phe1212Cys). This variant is present in population databases (rs202009902, gnomAD 0.02%). This variant has not been reported in the literature in individuals affected with PLCB1-related conditions. ClinVar contains an entry for this variant (Variation ID: 288267). Algorithms developed to predict the effect of missense changes on protein structure and function are either unavailable or do not agree on the potential impact of this missense change (SIFT: "Deleterious"; PolyPhen-2: "Benign"; Align-GVGD: "Class C0"). In summary, the available evidence is currently insufficient to determine the role of this variant in disease. Therefore, it has been classified as a Variant of Uncertain Significance.

Eurofins Ntd Llc (ga)
Classification: Uncertain significance. Last evaluated: 2016-06-17. Review status: criteria provided, single submitter. Criteria: EGL Classification Definitions 2015. Collection method: clinical testing. Allele origin: germline. Observed: 1 variant allele, 1 heterozygote.